The following is an entry in ClinVar:

NM_031448.6(C19orf12):c.270C>G (p.Asn90Lys)

Gene: C19orf12 (chromosome 19 open reading frame 12; minus strand). Cytogenetic location: 19q12.
Variant type: single nucleotide variant.
Coding change: c.270C>G on transcript NM_031448.6 (MANE Select); coding-DNA position 270, C replaced by G.
Protein change: p.Asn90Lys; replaces asparagine 90 with lysine.
Molecular consequence: missense variant.
Genome position (GRCh38, 1-based): chr19:29,702,868, G>C on the plus strand (C>G on the coding strand, the complement: C19orf12 is on the minus strand). VCF-style: chr19-29702868-G-C. GRCh37 (hg19) VCF-style: chr19-30193775-G-C.
Other names: c.270C>G, p.Asn90Lys (NM_001031726.4, NM_001256046.3, NM_001256047.2); c.78C>G, p.Asn26Lys (NM_001282929.1, NM_001282930.3, NM_001282931.3); short protein forms N26K, N90K.
Identifiers: ClinVar variation 2876056 (VCV002876056.3), dbSNP rs369548656, ClinGen allele CA9351897.

ClinVar aggregate classification (germline): Uncertain significance (1 of 4 stars; one submission).

Conditions:
Hereditary spastic paraplegia 43. Also called: Spastic paraplegia 43, autosomal recessive. Identifiers: Orphanet 320370, MedGen C2680446, MONDO:0014024, OMIM 615043.

gnomAD v4.1: 1 of 1,614,160 alleles (0.000062%); highest among the groups gnomAD compares: East Asian, 0.0022%; no homozygotes.

Submission:

Labcorp Genetics (formerly Invitae), Labcorp
Classification: Uncertain significance for Hereditary spastic paraplegia 43. Last evaluated: 2023-12-30. Review status: criteria provided, single submitter. Criteria: Invitae Variant Classification Sherloc (09022015). Collection method: clinical testing. Allele origin: germline.
Comment: This sequence change replaces asparagine, which is neutral and polar, with lysine, which is basic and polar, at codon 101 of the C19orf12 protein (p.Asn101Lys). This variant is present in population databases (rs369548656, gnomAD 0.006%). This variant has not been reported in the literature in individuals affected with C19orf12-related conditions. Algorithms developed to predict the effect of missense changes on protein structure and function output the following: SIFT: "Not Available"; PolyPhen-2: "Benign"; Align-GVGD: "Not Available". The lysine amino acid residue is found in multiple mammalian species, which suggests that this missense change does not adversely affect protein function. In summary, the available evidence is currently insufficient to determine the role of this variant in disease. Therefore, it has been classified as a Variant of Uncertain Significance.